The following is an entry in ClinVar:

NM_000059.4(BRCA2):c.8508T>C (p.Ser2836=)

Gene: BRCA2 (BRCA2 DNA repair associated; plus strand). Cytogenetic location: 13q13.1.
Variant type: single nucleotide variant.
Coding change: c.8508T>C on transcript NM_000059.4 (MANE Select); coding-DNA position 8508, T replaced by C.
Protein change: p.Ser2836=; no amino-acid change (serine 2836 retained).
Molecular consequence: synonymous variant.
Genome position (GRCh38, 1-based): chr13:32,370,976, T>C. VCF-style: chr13-32370976-T-C. GRCh37 (hg19) VCF-style: chr13-32945113-T-C.
Identifiers: ClinVar variation 215621 (VCV000215621.24), dbSNP rs863224314, ClinGen allele CA336270.

ClinVar aggregate classification (germline): Likely benign. Review status: reviewed by expert panel (3 of 4 stars). 9 submissions from 9 submitters: Likely benign (1). 8 of the submissions do not count toward it. Last evaluated 2017-06-29.

Conditions:
BRCA2-related cancer predisposition. Identifiers: MedGen CN377758, MONDO:0700269.
Hereditary cancer-predisposing syndrome. Also called: Tumor predisposition; Hereditary Cancer Syndrome; Neoplastic Syndromes, Hereditary; Hereditary neoplastic syndrome. Identifiers: Orphanet 140162, MedGen C0027672, MeSH D009386, MONDO:0015356.
Hereditary breast ovarian cancer syndrome. Also called: Hereditary breast and/or ovarian cancer syndrome; BRCA1- and BRCA2-Associated Hereditary Breast and Ovarian Cancer; Hereditary breast and ovarian cancer; Hereditary breast and ovarian cancer syndrome (HBOC); Breast and ovarian cancer; Hereditary breast and ovarian cancer syndrome. Identifiers: Orphanet 145, MedGen C0677776, MeSH D061325, MONDO:0003582. Disease mechanism: loss of function.
Breast-ovarian cancer, familial, susceptibility to, 2 (BROVCA2). Also called: BRCA2 Hereditary Breast and Ovarian Cancer. Identifiers: Orphanet 145, MedGen C2675520, MONDO:0012933, OMIM 612555. Disease mechanism: loss of function.

Allele frequency attached by ClinVar (database versions not stated): gnomAD exomes below 0.00001; TOPMed 0.00001.
gnomAD v4.1: 2 of 1,614,102 alleles (0.00012%); highest among the groups gnomAD compares: Admixed American, 0.0017%; no homozygotes.

Submissions (9):

Evidence-based Network for the Interpretation of Germline Mutant Alleles (ENIGMA)
Classification: Likely benign for Breast-ovarian cancer, familial, susceptibility to, 2. Last evaluated: 2017-06-29. Review status: reviewed by expert panel. Criteria: ENIGMA BRCA1/2 Classification Criteria (2017-06-29). Collection method: curation. Allele origin: germline.
Comment: Synonymous substitution variant, with low bioinformatic likelihood to result in a splicing aberration (Splicing prior probability 0.02).

Labcorp Genetics (formerly Invitae), Labcorp
Classification: Likely benign for Hereditary breast ovarian cancer syndrome. Last evaluated: 2025-12-08. Review status: criteria provided, single submitter. Criteria: Invitae Variant Classification Sherloc (09022015). Collection method: clinical testing. Allele origin: germline. Not counted in ClinVar's aggregate classification.

Women's Health and Genetics/Laboratory Corporation of America, LabCorp
Classification: Likely benign. Last evaluated: 2025-09-03. Review status: criteria provided, single submitter. Criteria: LabCorp Variant Classification Summary - May 2015. Collection method: clinical testing. Allele origin: germline. Not counted in ClinVar's aggregate classification.

Molecular Diagnostics Laboratory, Catalan Institute of Oncology
Classification: Likely benign for Hereditary cancer-predisposing syndrome. Last evaluated: 2025-05-20. Review status: criteria provided, single submitter. Criteria: ClinGen BRCA1BRCA2 ACMG Specifications BRCA2 V1.0.0. Collection method: clinical testing. Allele origin: germline. Not counted in ClinVar's aggregate classification.
Comment: BP4, BP7 c.8508T>C is located in exon 20 of the BRCA2 gene, a (potentially) clinically important functional domain, and it is predicted to result in no splicing alteration (according to SpliceAI) and no amino acid change, p.(Ser2836=) (BP4, BP7). This variant is found in 1/268037 alleles at a frequency of 0.0004% in the gnomAD v2.1.1 database, non-cancer dataset. To our knowledge, neither relevant clinical data nor well-stablished functional studies have been reported for this variant. In addition, it has been identified in the ClinVar database (1x benign, 6x likely benign) and BRCA Exchange database (Likely benign: Synonymous substitution variant, with low bioinformatic likelihood to result in a splicing aberration), but it is not present in the LOVD database. Based on the currently available information, c.8508T>C is classified as a likely benign variant according to ClinGen-BRCA2 Guidelines version 1.0.0.

All of Us Research Program, National Institutes of Health
Classification: Likely benign for BRCA2-related cancer predisposition. Last evaluated: 2024-07-20. Review status: criteria provided, single submitter. Criteria: ACMG Guidelines, 2015. Collection method: clinical testing. Allele origin: germline. Inheritance: Autosomal dominant inheritance. Observed: 1 variant allele, 1 heterozygote. Not counted in ClinVar's aggregate classification.
Comment: This study involves interpretation of variants in research participants for the purpose of population health screening. Participant phenotype was not available at the time of variant classification. Additional details can be found in publication PMID: 35346344, PMCID: PMC8962531

Quest Diagnostics Nichols Institute San Juan Capistrano
Classification: Likely benign. Last evaluated: 2023-09-19. Review status: criteria provided, single submitter. Criteria: Quest Diagnostics criteria. Collection method: clinical testing. Allele origin: unknown. Not counted in ClinVar's aggregate classification.

Color Diagnostics, LLC DBA Color Health
Classification: Likely benign for Hereditary cancer-predisposing syndrome. Last evaluated: 2019-12-17. Review status: criteria provided, single submitter. Criteria: ACMG Guidelines, 2015. Collection method: clinical testing. Allele origin: germline. Not counted in ClinVar's aggregate classification.

GeneDx
Classification: Likely benign. Last evaluated: 2019-05-01. Review status: criteria provided, single submitter. Criteria: GeneDx Variant Classification Process June 2021. Collection method: clinical testing. Allele origin: germline. Affected: yes. Not counted in ClinVar's aggregate classification.

Ambry Genetics
Classification: Likely benign for Hereditary cancer-predisposing syndrome. Last evaluated: 2015-12-10. Review status: criteria provided, single submitter. Criteria: Ambry Variant Classification Scheme 2023. Collection method: clinical testing. Allele origin: germline. Not counted in ClinVar's aggregate classification.